The following is an entry in ClinVar:

ClinVar aggregate classification (germline): Uncertain significance. Review status: criteria provided, multiple submitters, no conflicts (2 of 4 stars). 2 submissions from 2 submitters: Uncertain significance (2). Last evaluated 2024-11-14.

Conditions:
Fanconi anemia (FA). Also called: Fanconi's anemia. Identifiers: Orphanet 84, MedGen C0015625, MeSH D005199, MONDO:0019391.

gnomAD v4.1: 4 of 1,546,806 alleles (0.00026%); highest among the groups gnomAD compares: Admixed American, 0.0078%; no homozygotes.

Submissions (2):

Quest Diagnostics Nichols Institute San Juan Capistrano
Classification: Uncertain significance. Last evaluated: 2024-11-14. Review status: criteria provided, single submitter. Criteria: Quest Diagnostics criteria. Collection method: clinical testing. Allele origin: unknown.
Comment: The FANCA c.1901-3C>T variant has not been reported in individuals with FANCA-related conditions in the published literature. The frequency of this variant in the general population, 0.00016 (4/25598 chromosomes (Genome Aggregation Database)), is uninformative in the assessment of its pathogenicity. Analysis of this variant using software algorithms for the prediction of the effect of nucleotide changes on splicing yielded predictions that this variant does not affect FANCA mRNA splicing. Based on the available information, we are unable to determine the clinical significance of this variant.

Labcorp Genetics (formerly Invitae), Labcorp
Classification: Uncertain significance for Fanconi anemia. Last evaluated: 2022-07-30. Review status: criteria provided, single submitter. Criteria: Invitae Variant Classification Sherloc (09022015). Collection method: clinical testing. Allele origin: germline.
Comment: This sequence change falls in intron 21 of the FANCA gene. It does not directly change the encoded amino acid sequence of the FANCA protein. It affects a nucleotide within the consensus splice site. This variant is present in population databases (no rsID available, gnomAD 0.02%). This variant has not been reported in the literature in individuals affected with FANCA-related conditions. Variants that disrupt the consensus splice site are a relatively common cause of aberrant splicing (PMID: 17576681, 9536098). Algorithms developed to predict the effect of sequence changes on RNA splicing suggest that this variant is not likely to affect RNA splicing. In summary, the available evidence is currently insufficient to determine the role of this variant in disease. Therefore, it has been classified as a Variant of Uncertain Significance.

Literature cited by the submitters: PubMed 17576681 (cited by Labcorp Genetics (formerly Invitae), Labcorp); PubMed 9536098 (cited by Labcorp Genetics (formerly Invitae), Labcorp).

NM_000135.4(FANCA):c.1901-3C>T

Gene: FANCA (FA complementation group A; minus strand). Cytogenetic location: 16q24.3.
Variant type: single nucleotide variant.
Coding change: c.1901-3C>T on transcript NM_000135.4 (MANE Select); 3 bases into the intron before coding-DNA position 1901, C replaced by T.
Molecular consequence: intron variant.
Genome position (GRCh38, 1-based): chr16:89,773,387, G>A on the plus strand (C>T on the coding strand, the complement: FANCA is on the minus strand). VCF-style: chr16-89773387-G-A. GRCh37 (hg19) VCF-style: chr16-89839795-G-A.
Other names: c.1901-3C>T (NM_001286167.3, NM_000135.3).
Identifiers: ClinVar variation 2177652 (VCV002177652.2), dbSNP rs17226526, ClinGen allele CA624250656.